The following is an entry in ClinVar:

NM_001244008.2(KIF1A):c.2748G>T (p.Glu916Asp)

Gene: KIF1A (kinesin family member 1A; minus strand). Cytogenetic location: 2q37.3.
Variant type: single nucleotide variant.
Coding change: c.2748G>T on transcript NM_001244008.2 (MANE Select); coding-DNA position 2748, G replaced by T.
Protein change: p.Glu916Asp; replaces glutamic acid 916 with aspartic acid.
Molecular consequence: missense variant. On other transcripts: intron variant (18).
Genome position (GRCh38, 1-based): chr2:240,757,429, C>A on the plus strand (G>T on the coding strand, the complement: KIF1A is on the minus strand). VCF-style: chr2-240757429-C-A. GRCh37 (hg19) VCF-style: chr2-241696846-C-A.
Other names: c.2823G>T, p.Glu941Asp (NM_001379631.1); c.2697G>T, p.Glu899Asp (NM_001379632.1); c.2721G>T, p.Glu907Asp (NM_001379633.1, NM_001379642.1, NM_001379645.1); c.2555+931G>T (NM_001379653.1, NM_001379650.1, NM_001379640.1 and 6 more transcripts); c.2657+931G>T (NM_001379635.1, NM_001330290.2, NM_001379646.1 and 1 more transcripts); c.2630+931G>T (NM_001379637.1, NM_001379648.1); c.2582+931G>T (NM_001320705.2, NM_001379638.1, NM_001330289.2); short protein forms E899D, E907D, E916D, E941D.
Identifiers: ClinVar variation 1704993 (VCV001704993.6), dbSNP rs752718960, ClinGen allele CA2208033.
Genomic context (GRCh38, chr2:240,757,429, plus strand): 5'-GTCGCACAGCGCGTGCTCCGGAAAGACGTCGTCCTCCAGGTCCTCCTCCTCCTCATCCTC[C>A]TCCTCCTCCTCCTCCTCCTCCTCCTCCCCCACGCTCTGCTCCTCGGCAGGCTCGGTGGCG-3'
Protein context (NP_001230937.1, residues 906-926): VGEEEEEEEE[Glu916Asp]EDEEEEDLED

ClinVar aggregate classification (germline): Uncertain significance. Review status: criteria provided, multiple submitters, no conflicts (2 of 4 stars). 2 submissions from 2 submitters: Uncertain significance (2). Last evaluated 2024-07-22.

Allele frequency attached by ClinVar (database versions not stated): gnomAD exomes 0.00004; gnomAD 0.00005; ExAC 0.00007.
gnomAD v4.1: 38 of 956,850 alleles (0.004%); highest among the groups gnomAD compares: Admixed American, 0.069%; no homozygotes.

Submissions (2):

GeneDx
Classification: Uncertain significance. Last evaluated: 2024-07-22. Review status: criteria provided, single submitter. Criteria: GeneDx Variant Classification Process June 2021. Collection method: clinical testing. Allele origin: germline. Affected: yes.
Comment: In silico analysis supports that this missense variant does not alter protein structure/function; Has not been previously published as pathogenic or benign to our knowledge; Reported using an alternate transcript of the gene

Athena Diagnostics
Classification: Uncertain significance. Last evaluated: 2023-06-04. Review status: criteria provided, single submitter. Criteria: Athena Diagnostics Criteria. Collection method: clinical testing. Allele origin: unknown.
Comment: Available data are insufficient to determine the clinical significance of the variant at this time. The frequency of this variant in the general population is higher than would generally be expected for pathogenic variants in this gene. Computational tools predict that this variant is not damaging.

Literature cited by the submitters: PubMed 31577830 (cited by Athena Diagnostics).